The following is an entry in ClinVar:

NM_000465.4(BARD1):c.1429G>C (p.Val477Leu)

Gene: BARD1 (BRCA1 associated RING domain 1; minus strand). Cytogenetic location: 2q35.
Variant type: single nucleotide variant.
Coding change: c.1429G>C on transcript NM_000465.4 (MANE Select); coding-DNA position 1429, G replaced by C.
Protein change: p.Val477Leu; replaces valine 477 with leucine.
Molecular consequence: missense variant. On other transcripts: non-coding transcript variant (3), intron variant (3).
Genome position (GRCh38, 1-based): chr2:214,767,621, C>G on the plus strand (G>C on the coding strand, the complement: BARD1 is on the minus strand). VCF-style: chr2-214767621-C-G. GRCh37 (hg19) VCF-style: chr2-215632345-C-G.
Other names: c.1372G>C, p.Val458Leu (NM_001282543.2); c.159-15066G>C (NM_001282548.2); c.216-15066G>C (NM_001282545.2); c.364+24676G>C (NM_001282549.2); short protein forms V458L, V477L.
Identifiers: ClinVar variation 952971 (VCV000952971.11), dbSNP rs1024564785, ClinGen allele CA350448639.
Genomic context (GRCh38, chr2:214,767,621, plus strand): 5'-GTGAGTCATTTTGATACCCGGTGGTGTTCACCAATGCCTTATGCTGGAGCAATAATTCCA[C>G]TACCTTCAGGTGCCCATGATTGCAAGCTTCATGCTAATTAAATTTTTTGAAAAAGAAGTG-3'
Protein context (NP_000456.2, residues 467-487): EACNHGHLKV[Val477Leu]ELLLQHKALV

ClinVar aggregate classification (germline): Uncertain significance. Review status: criteria provided, multiple submitters, no conflicts (2 of 4 stars). 2 submissions from 2 submitters: Uncertain significance (2). Last evaluated 2024-05-28.

Conditions:
Hereditary cancer-predisposing syndrome. Also called: Tumor predisposition; Hereditary neoplastic syndrome; Neoplastic Syndromes, Hereditary; Hereditary Cancer Syndrome. Identifiers: Orphanet 140162, MedGen C0027672, MeSH D009386, MONDO:0015356.
Familial cancer of breast. Also called: BREAST CANCER, FAMILIAL; Hereditary breast cancer; hereditary breast carcinoma. Identifiers: Orphanet 227535, MedGen C0346153, MONDO:0016419, OMIM 114480. Disease mechanism: loss of function.

Submissions (2):

Labcorp Genetics (formerly Invitae), Labcorp
Classification: Uncertain significance for Familial cancer of breast. Last evaluated: 2024-05-28. Review status: criteria provided, single submitter. Criteria: Invitae Variant Classification Sherloc (09022015). Collection method: clinical testing. Allele origin: germline.
Comment: This sequence change replaces valine, which is neutral and non-polar, with leucine, which is neutral and non-polar, at codon 477 of the BARD1 protein (p.Val477Leu). This variant is not present in population databases (gnomAD no frequency). This variant has not been reported in the literature in individuals affected with BARD1-related conditions. ClinVar contains an entry for this variant (Variation ID: 952971). An algorithm developed to predict the effect of missense changes on protein structure and function (PolyPhen-2) suggests that this variant is likely to be disruptive. In summary, the available evidence is currently insufficient to determine the role of this variant in disease. Therefore, it has been classified as a Variant of Uncertain Significance.

Ambry Genetics
Classification: Uncertain significance for Hereditary cancer-predisposing syndrome. Last evaluated: 2021-12-15. Review status: criteria provided, single submitter. Criteria: Ambry Variant Classification Scheme 2023. Collection method: clinical testing. Allele origin: germline.
Comment: The p.V477L variant (also known as c.1429G>C), located in coding exon 6 of the BARD1 gene, results from a G to C substitution at nucleotide position 1429. The valine at codon 477 is replaced by leucine, an amino acid with highly similar properties. This amino acid position is conserved. In addition, the in silico prediction for this alteration is inconclusive. Since supporting evidence is limited at this time, the clinical significance of this alteration remains unclear.